The following is an entry in ClinVar:

NM_001097577.3(ANG):c.283A>G (p.Ile95Val)

Genes: ANG (angiogenin; plus strand), EGILA (EGFR interacting lncRNA; minus strand), RNASE4 (ribonuclease A family member 4; plus strand). Cytogenetic location: 14q11.2.
Variant type: single nucleotide variant.
Coding change: c.283A>G on transcript NM_001097577.3 (MANE Select); coding-DNA position 283, A replaced by G.
Protein change: p.Ile95Val; replaces isoleucine 95 with valine.
Molecular consequence: missense variant. On other transcripts: intron variant (4).
Genome position (GRCh38, 1-based): chr14:20,693,847, A>G. VCF-style: chr14-20693847-A-G. GRCh37 (hg19) VCF-style: chr14-21162006-A-G.
Other names: c.283A>G, p.Ile95Val (NM_001145.4, NM_001385271.1, NM_001385272.1 and 2 more transcripts); c.-18+197A>G (NM_001282192.2); c.-17-5508A>G (NM_002937.5, NM_001282193.2); c.-18+4973A>G (NM_194431.3); short protein forms I95V.
Identifiers: ClinVar variation 3647834 (VCV003647834.2).

ClinVar aggregate classification (germline): Uncertain significance (1 of 4 stars; one submission).

Submission:

Labcorp Genetics (formerly Invitae), Labcorp
Classification: Uncertain significance. Last evaluated: 2024-03-27. Review status: criteria provided, single submitter. Criteria: Invitae Variant Classification Sherloc (09022015). Collection method: clinical testing. Allele origin: germline.
Comment: This sequence change replaces isoleucine, which is neutral and non-polar, with valine, which is neutral and non-polar, at codon 95 of the ANG protein (p.Ile95Val). This variant is not present in population databases (gnomAD no frequency). This variant has not been reported in the literature in individuals affected with ANG-related conditions. An algorithm developed to predict the effect of missense changes on protein structure and function (PolyPhen-2) suggests that this variant is likely to be tolerated. Algorithms developed to predict the effect of sequence changes on RNA splicing suggest that this variant may create or strengthen a splice site. In summary, the available evidence is currently insufficient to determine the role of this variant in disease. Therefore, it has been classified as a Variant of Uncertain Significance.